The following is an entry in ClinVar:

ClinVar aggregate classification (germline): Pathogenic (1 of 4 stars; one submission).

Conditions:
Autosomal recessive limb-girdle muscular dystrophy type 2J (LGMDR10). Also called: Limb-girdle muscular dystrophy, type 2J; MUSCULAR DYSTROPHY, LIMB-GIRDLE, AUTOSOMAL RECESSIVE 10. Identifiers: Orphanet 140922, MedGen C1837342, MONDO:0012127, OMIM 608807.
Dilated cardiomyopathy 1G (CMD1G). Identifiers: Orphanet 154, MedGen C1858763, MONDO:0011400, OMIM 604145.

Submission:

Labcorp Genetics (formerly Invitae), Labcorp
Classification: Pathogenic for Dilated cardiomyopathy 1G; Autosomal recessive limb-girdle muscular dystrophy type 2J. Last evaluated: 2025-08-29. Review status: criteria provided, single submitter. Criteria: Invitae Variant Classification Sherloc (09022015). Collection method: clinical testing. Allele origin: germline.
Comment: This sequence change creates a premature translational stop signal (p.Ile23072Leufs*46) in the TTN gene. While this is not anticipated to result in nonsense mediated decay, it is expected to create a truncated TTN protein. This variant is not present in population databases (gnomAD no frequency). This premature translational stop signal has been observed in individual(s) with autosomal dominant dilated cardiomyopathy (internal data). It has also been observed to segregate with disease in related individuals. ClinVar contains an entry for this variant (Variation ID: 2091604). This variant is located in the A band of TTN (PMID: 25589632). Truncating variants in this region are significantly overrepresented in patients affected with dilated cardiomyopathy (PMID: 25589632). Truncating variants in this region have also been reported in individuals affected with autosomal recessive centronuclear myopathy (PMID: 23975875). For these reasons, this variant has been classified as Pathogenic.

Literature cited by the submitters: PubMed 25589632; PubMed 23975875.

NM_001267550.2(TTN):c.69214del (p.Ile23072fs)

Genes: TTN (titin; minus strand), TTN-AS1 (TTN antisense RNA 1; plus strand). Cytogenetic location: 2q31.2.
Variant type: Deletion.
Coding change: c.69214del on transcript NM_001267550.2 (MANE Select); coding-DNA position 69214, one base deleted (A; older notation c.69214delA).
Protein change: p.Ile23072fs; shifts the reading frame from isoleucine 23072.
Molecular consequence: frameshift variant.
Genome position (GRCh38, 1-based): chr2:178,577,121, T deleted on the plus strand (A on the coding strand, the reverse complement: TTN is on the minus strand); the first of 2 consecutive T bases (chr2:178,577,121-178,577,122); deleting either gives the same sequence. VCF-style (leftmost placement, unchanged base first): chr2-178577120-AT-A. GRCh37 (hg19) VCF-style: chr2-179441847-AT-A.
Other names: c.64291del, p.Ile21431fs (NM_001256850.1); c.42019del, p.Ile14007fs (NM_003319.4); c.61510del, p.Ile20504fs (NM_133378.4); c.42394del, p.Ile14132fs (NM_133432.3); c.42595del, p.Ile14199fs (NM_133437.4); short protein forms I14007fs, I14199fs, I23072fs, I20504fs, I14132fs, I21431fs.
Identifiers: ClinVar variation 2091604 (VCV002091604.4), dbSNP rs2468764836, ClinGen allele CA2577170679.